The following is an entry in ClinVar:

NM_001035.3(RYR2):c.3508G>A (p.Glu1170Lys)

Gene: RYR2 (ryanodine receptor 2; plus strand). Cytogenetic location: 1q43.
Variant type: single nucleotide variant.
Coding change: c.3508G>A on transcript NM_001035.3 (MANE Select); coding-DNA position 3508, G replaced by A.
Protein change: p.Glu1170Lys; replaces glutamic acid 1170 with lysine.
Molecular consequence: missense variant.
Genome position (GRCh38, 1-based): chr1:237,569,229, G>A. VCF-style: chr1-237569229-G-A. GRCh37 (hg19) VCF-style: chr1-237732529-G-A.
Other names: c.3508G>A (NM_001035.2); short protein forms E1170K.
Identifiers: ClinVar variation 999599 (VCV000999599.14), dbSNP rs772236215, ClinGen allele CA086401.

ClinVar aggregate classification (germline): Uncertain significance. Review status: criteria provided, multiple submitters, no conflicts (2 of 4 stars). 3 submissions from 3 submitters: Uncertain significance (3). Last evaluated 2024-04-16.

Conditions:
Catecholaminergic polymorphic ventricular tachycardia (CVPT). Also called: Catecholamine-induced polymorphic ventricular tachycardia. Identifiers: Orphanet 3286, MedGen C5574922, MONDO:0017990.
Cardiovascular phenotype. Identifiers: MedGen CN230736.
Catecholaminergic polymorphic ventricular tachycardia 1. Also called: VENTRICULAR TACHYCARDIA, CATECHOLAMINERGIC POLYMORPHIC, 1, WITH OR WITHOUT ATRIAL DYSFUNCTION AND/OR DILATED CARDIOMYOPATHY; RYR2-Related Catecholaminergic Polymorphic Ventricular Tachycardia; VENTRICULAR TACHYCARDIA, STRESS-INDUCED POLYMORPHIC 1. Identifiers: Orphanet 3286, MedGen C1631597, MONDO:0011484, OMIM 604772.

Allele frequency attached by ClinVar (database versions not stated): gnomAD exomes below 0.00001; ExAC 0.00001.
gnomAD v4.1: 2 of 1,613,892 alleles (0.00012%); highest among the groups gnomAD compares: Non-Finnish European, 0.00017%; no homozygotes.

Submissions (3):

All of Us Research Program, National Institutes of Health
Classification: Uncertain significance for Catecholaminergic polymorphic ventricular tachycardia. Last evaluated: 2024-04-16. Review status: criteria provided, single submitter. Criteria: ACMG Guidelines, 2015. Collection method: clinical testing. Allele origin: germline. Inheritance: Autosomal dominant inheritance. Observed: 2 variant alleles, 2 heterozygotes.
Comment: This missense variant replaces glutamic acid with lysine at codon 1170 of the RYR2 protein. Computational prediction suggests that this variant may not impact protein structure and function (internally defined REVEL score threshold <= 0.5, PMID: 27666373). To our knowledge, functional studies have not been reported for this variant. This variant has been reported in an individual affected with unspecified arrhythmia (PMID: 30847666). This variant has not been identified in the general population by the Genome Aggregation Database (gnomAD). The available evidence is insufficient to determine the role of this variant in disease conclusively. Therefore, this variant is classified as a Variant of Uncertain Significance.

This study involves interpretation of variants in research participants for the purpose of population health screening. Participant phenotype was not available at the time of variant classification. Additional details can be found in publication PMID: 35346344, PMCID: PMC8962531

Labcorp Genetics (formerly Invitae), Labcorp
Classification: Uncertain significance for Catecholaminergic polymorphic ventricular tachycardia 1. Last evaluated: 2023-07-25. Review status: criteria provided, single submitter. Criteria: Invitae Variant Classification Sherloc (09022015). Collection method: clinical testing. Allele origin: germline.
Comment: In summary, the available evidence is currently insufficient to determine the role of this variant in disease. Therefore, it has been classified as a Variant of Uncertain Significance. Advanced modeling of protein sequence and biophysical properties (such as structural, functional, and spatial information, amino acid conservation, physicochemical variation, residue mobility, and thermodynamic stability) performed at Invitae indicates that this missense variant is not expected to disrupt RYR2 protein function. ClinVar contains an entry for this variant (Variation ID: 999599). This missense change has been observed in individual(s) with autosomal dominant catecholaminergic polymorphic ventricular tachycardia (CPVT) (PMID: 31112425). This variant is not present in population databases (gnomAD no frequency). This sequence change replaces glutamic acid, which is acidic and polar, with lysine, which is basic and polar, at codon 1170 of the RYR2 protein (p.Glu1170Lys).

Ambry Genetics
Classification: Uncertain significance for Cardiovascular phenotype. Last evaluated: 2023-06-04. Review status: criteria provided, single submitter. Criteria: Ambry Variant Classification Scheme 2023. Collection method: clinical testing. Allele origin: germline.
Comment: The p.E1170K variant (also known as c.3508G>A), located in coding exon 29 of the RYR2 gene, results from a G to A substitution at nucleotide position 3508. The glutamic acid at codon 1170 is replaced by lysine, an amino acid with similar properties. This alteration has been reported in an arrhythmia genetic testing cohort and a RYR2 genetic testing cohort; however, clinical details were limited, and additional cardiac variants were detected in some cases (Giudicessi JR et al. Circ Genom Precis Med, 2019 May;12:e002510; van Lint FHM et al. Neth Heart J, 2019 Jun;27:304-309). This amino acid position is highly conserved in available vertebrate species. In addition, this alteration is predicted to be tolerated by in silico analysis. Since supporting evidence is limited at this time, the clinical significance of this alteration remains unclear.

Literature cited by the submitters: PubMed 30847666 (cited by All of Us Research Program, National Institutes of Health and Ambry Genetics); PubMed 31112425 (cited by Labcorp Genetics (formerly Invitae), Labcorp and Ambry Genetics).